The following is an entry in ClinVar:

ClinVar aggregate classification (germline): Benign/Likely benign. Review status: criteria provided, multiple submitters, no conflicts (2 of 4 stars). 4 submissions from 4 submitters: Benign (1); Likely benign (2). 1 of the submissions does not count toward it. Last evaluated 2026-01-19.

Conditions:
NAXD-related disorder. Also called: NAXD-related condition.

Allele frequency attached by ClinVar (database versions not stated): ExAC 0.00122; ESP Exome Variant Server 0.00269; gnomAD 0.00314 and 0.00316; 1000 Genomes Project 30x 0.00328; 1000 Genomes Project 0.00359.
gnomAD v4.1: 1,412 of 1,614,122 alleles (0.087%); highest among the groups gnomAD compares: African/African-American, 0.99%; 4 homozygotes.

Submissions (4):

Labcorp Genetics (formerly Invitae), Labcorp
Classification: Benign. Last evaluated: 2026-01-19. Review status: criteria provided, single submitter. Criteria: Invitae Variant Classification Sherloc (09022015). Collection method: clinical testing. Allele origin: germline.

CeGaT Center for Human Genetics Tuebingen
Classification: Likely benign. Last evaluated: 2025-11-01. Review status: criteria provided, single submitter. Criteria: CeGaT Center For Human Genetics Tuebingen Variant Classification Criteria Version 2. Collection method: clinical testing. Allele origin: germline. Affected: yes. Observed: 3 variant alleles.
Comment: NAXD: BP4, BS2

Blueprint Genetics
Classification: Likely benign. Last evaluated: 2024-11-01. Review status: criteria provided, single submitter. Criteria: ACMG Guidelines, 2015. Collection method: clinical testing. Allele origin: germline.

PreventionGenetics, part of Exact Sciences
Classification: Benign for NAXD-related condition. Last evaluated: 2019-08-08. Review status: no assertion criteria provided. Collection method: clinical testing. Allele origin: germline. Not counted in ClinVar's aggregate classification.
Comment: This variant is classified as benign based on ACMG/AMP sequence variant interpretation guidelines (Richards et al. 2015 PMID: 25741868, with internal and published modifications).

NM_001242882.2(NAXD):c.541C>T (p.Arg181Trp)

Gene: NAXD (NAD(P)HX dehydratase; plus strand). Cytogenetic location: 13q34.
Variant type: single nucleotide variant.
Coding change: c.541C>T on transcript NM_001242882.2 (MANE Select); coding-DNA position 541, C replaced by T.
Protein change: p.Arg181Trp; replaces arginine 181 with tryptophan.
Molecular consequence: missense variant. On other transcripts: non-coding transcript variant (2).
Genome position (GRCh38, 1-based): chr13:110,634,720, C>T. VCF-style: chr13-110634720-C-T. GRCh37 (hg19) VCF-style: chr13-111287067-C-T.
Other names: c.595C>T (NM_018210.3); c.595C>T, p.Arg199Trp (NM_001242881.2, NM_018210.4); c.265C>T, p.Arg89Trp (NM_001242883.2); short protein forms R181W, R199W, R89W.
Identifiers: ClinVar variation 1166488 (VCV001166488.35), dbSNP rs61734918, ClinGen allele CA7051260.
Genomic context (GRCh38, chr13:110,634,720, plus strand): 5'-TGTTCTGTGCAGGATGGCCTGTGGCTGGTCGCTCAGCAGCCGGCCCTCATCCATGGCTAC[C>T]GGAAGGCTGTGCTCACTCCCAACCACGTGGAGTTCAGCAGACTGTATGACGCTGTGGTGA-3'
Protein context (NP_001229811.1, residues 171-191): AQQPALIHGY[Arg181Trp]KAVLTPNHVE